The following is an entry in ClinVar:

ClinVar aggregate classification (germline): Uncertain significance (1 of 4 stars; one submission).

Allele frequency attached by ClinVar (database versions not stated): ExAC 0.00001; gnomAD 0.00001; gnomAD exomes 0.00001.
gnomAD v4.1: 9 of 1,614,074 alleles (0.00056%); highest among the groups gnomAD compares: South Asian, 0.0077%; no homozygotes.

Submission:

Labcorp Genetics (formerly Invitae), Labcorp
Classification: Uncertain significance. Last evaluated: 2022-06-20. Review status: criteria provided, single submitter. Criteria: Invitae Variant Classification Sherloc (09022015). Collection method: clinical testing. Allele origin: germline.
Comment: This variant has not been reported in the literature in individuals affected with EPHA4-related conditions. This variant is present in population databases (rs745555273, gnomAD 0.01%). This sequence change replaces asparagine, which is neutral and polar, with serine, which is neutral and polar, at codon 235 of the EPHA4 protein (p.Asn235Ser). Algorithms developed to predict the effect of missense changes on protein structure and function are either unavailable or do not agree on the potential impact of this missense change (SIFT: "Deleterious"; PolyPhen-2: "Benign"; Align-GVGD: "Class C15"). In summary, the available evidence is currently insufficient to determine the role of this variant in disease. Therefore, it has been classified as a Variant of Uncertain Significance.

NM_004438.5(EPHA4):c.704A>G (p.Asn235Ser)

Gene: EPHA4 (EPH receptor A4; minus strand). Cytogenetic location: 2q36.1.
Variant type: single nucleotide variant.
Coding change: c.704A>G on transcript NM_004438.5 (MANE Select); coding-DNA position 704, A replaced by G.
Protein change: p.Asn235Ser; replaces asparagine 235 with serine.
Molecular consequence: missense variant.
Genome position (GRCh38, 1-based): chr2:221,563,850, T>C on the plus strand (A>G on the coding strand, the complement: EPHA4 is on the minus strand). VCF-style: chr2-221563850-T-C. GRCh37 (hg19) VCF-style: chr2-222428570-T-C.
Other names: c.704A>G, p.Asn235Ser (NM_001304536.2, NM_001363748.2); c.551A>G, p.Asn184Ser (NM_001304537.2); short protein forms N184S, N235S.
Identifiers: ClinVar variation 1468237 (VCV001468237.6), dbSNP rs745555273, ClinGen allele CA2135216.